The following is an entry in ClinVar:

NM_030665.4(RAI1):c.4354C>T (p.Arg1452Trp)

Gene: RAI1 (retinoic acid induced 1; plus strand). Cytogenetic location: 17p11.2.
Variant type: single nucleotide variant.
Coding change: c.4354C>T on transcript NM_030665.4 (MANE Select); coding-DNA position 4354, C replaced by T.
Protein change: p.Arg1452Trp; replaces arginine 1452 with tryptophan.
Molecular consequence: missense variant.
Genome position (GRCh38, 1-based): chr17:17,797,302, C>T. VCF-style: chr17-17797302-C-T. GRCh37 (hg19) VCF-style: chr17-17700616-C-T.
Other names: c.4354C>T (NM_030665.3); short protein forms R1452W.
Identifiers: ClinVar variation 1494303 (VCV001494303.9), dbSNP rs753243669, ClinGen allele CA8418945.

ClinVar aggregate classification (germline): Conflicting classifications of pathogenicity. Review status: criteria provided, conflicting classifications (1 of 4 stars). 2 submissions from 2 submitters: Uncertain significance (1); Benign (1). Last evaluated 2025-10-31.

Conditions:
RAI1-related disorder. Also called: RAI1-related condition.

Allele frequency attached by ClinVar (database versions not stated): ExAC 0.00002; gnomAD exomes 0.00002; TOPMed 0.00002; gnomAD 0.00003 and 0.00004.
gnomAD v4.1: 26 of 1,612,524 alleles (0.0016%); highest among the groups gnomAD compares: East Asian, 0.013%; no homozygotes.

Submissions (2):

PreventionGenetics, part of Exact Sciences
Classification: Uncertain significance for RAI1-related condition. Last evaluated: 2025-10-31. Review status: criteria provided, single submitter. Criteria: ACMG Guidelines, 2015. Collection method: clinical testing. Allele origin: germline.
Comment: The RAI1 c.4354C>T variant is predicted to result in the amino acid substitution p.Arg1452Trp. To our knowledge, this variant has not been reported in the literature. This variant is reported in 0.0065% of alleles in individuals of South Asian descent in gnomAD. At this time, the clinical significance of this variant is uncertain due to the absence of conclusive functional and genetic evidence.

Labcorp Genetics (formerly Invitae), Labcorp
Classification: Benign. Last evaluated: 2024-10-23. Review status: criteria provided, single submitter. Criteria: Invitae Variant Classification Sherloc (09022015). Collection method: clinical testing. Allele origin: germline.